The following is an entry in ClinVar:

NM_001267550.2(TTN):c.92750T>C (p.Val30917Ala)

Genes: TTN (titin; minus strand), TTN-AS1 (TTN antisense RNA 1; plus strand). Cytogenetic location: 2q31.2.
Variant type: single nucleotide variant.
Coding change: c.92750T>C on transcript NM_001267550.2 (MANE Select); coding-DNA position 92750, T replaced by C.
Protein change: p.Val30917Ala; replaces valine 30917 with alanine.
Molecular consequence: missense variant.
Genome position (GRCh38, 1-based): chr2:178,548,876, A>G on the plus strand (T>C on the coding strand, the complement: TTN is on the minus strand). VCF-style: chr2-178548876-A-G. GRCh37 (hg19) VCF-style: chr2-179413603-A-G.
Other names: c.87827T>C, p.Val29276Ala (NM_001256850.1); c.65555T>C, p.Val21852Ala (NM_003319.4); c.85046T>C, p.Val28349Ala (NM_133378.4); c.65930T>C, p.Val21977Ala (NM_133432.3); c.66131T>C, p.Val22044Ala (NM_133437.4); short protein forms V21977A, V22044A, V21852A, V28349A, V30917A, V29276A.
Identifiers: ClinVar variation 679602 (VCV000679602.2), dbSNP rs748545482, ClinGen allele CA1987412.

ClinVar aggregate classification (germline): Likely benign. Review status: criteria provided, single submitter (1 of 4 stars). 2 submissions from 2 submitters: Likely benign (1). 1 of the submissions does not count toward it. Last evaluated 2018-04-16.

Allele frequency attached by ClinVar (database versions not stated): gnomAD 0.00001; TOPMed 0.00001; ExAC 0.00002; gnomAD exomes 0.00002 and 0.00003.
gnomAD v4.1: 37 of 1,613,630 alleles (0.0023%); highest among the groups gnomAD compares: South Asian, 0.037%; no homozygotes.

Submissions (2):

GeneDx
Classification: Likely benign. Last evaluated: 2018-04-16. Review status: criteria provided, single submitter. Criteria: GeneDx Variant Classification (06012015). Collection method: clinical testing. Allele origin: germline. Affected: yes.
Comment: This variant is considered likely benign or benign based on one or more of the following criteria: it is a conservative change, it occurs at a poorly conserved position in the protein, it is predicted to be benign by multiple in silico algorithms, and/or has population frequency not consistent with disease.

Department of Pathology and Laboratory Medicine, Sinai Health System
Classification: Uncertain significance. Review status: no assertion criteria provided. Collection method: clinical testing. Allele origin: unknown. Affected: yes. Study: The Canadian Open Genetics Repository (COGR). Not counted in ClinVar's aggregate classification.
Comment: The TTN p.V21977A variant was not identified in the literature nor was it identified in Cosmic or LOVD 3.0. The variant was identified in dbSNP (ID: rs748545482) and in ClinVar (classified as likely benign by GeneDx). The variant was identified in control databases in 7 of 248794chromosomes at a frequency of 0.00002814 (Genome Aggregation Database March 6, 2019, v2.1.1). The variant was observed in the South Asian population in 7 of 30602 chromosomes (freq: 0.000229), but was not observed in the African, Latino, Ashkenazi Jewish, East Asian, European (Finnish), European (non-Finnish), or Other populations. The p.Val21977 residue has limited species conservation data and computational analyses (BLOSUM, MutationTaster) provide inconsisted predictions regarding the impact to the protein; this information is not predictive enough to rule out pathogenicity. The variant occurs outside of the splicing consensus sequence and in silico or computational prediction software programs (SpliceSiteFinder, MaxEntScan, NNSPLICE, GeneSplicer) do not predict a difference in splicing. In summary, based on the above information the clinical significance of this variant cannot be determined with certainty at this time. This variant is classified as a variant of uncertain significance.